The following is an entry in ClinVar:

NM_014014.5(SNRNP200):c.1600G>A (p.Asp534Asn)

Gene: SNRNP200 (small nuclear ribonucleoprotein U5 subunit 200; minus strand). Cytogenetic location: 2q11.2.
Variant type: single nucleotide variant.
Coding change: c.1600G>A on transcript NM_014014.5 (MANE Select); coding-DNA position 1600, G replaced by A.
Protein change: p.Asp534Asn; replaces aspartic acid 534 with asparagine.
Molecular consequence: missense variant.
Genome position (GRCh38, 1-based): chr2:96,296,607, C>T on the plus strand (G>A on the coding strand, the complement: SNRNP200 is on the minus strand). VCF-style: chr2-96296607-C-T. GRCh37 (hg19) VCF-style: chr2-96962345-C-T.
Other names: short protein forms D534N.
Identifiers: ClinVar variation 1971952 (VCV001971952.5), dbSNP rs763354385, ClinGen allele CA1778889.
Genomic context (GRCh38, chr2:96,296,607, plus strand): 5'-TGCCCACCATCTCCTGCACCAAGGAGCGCATGGGGGCAATGTAGATAATCTTGAAGTCAT[C>T]CACATTGATGGTGCCGTCCATGTTTATGTGTTTCCCAATCTCTCGGAGCATGCACATCAG-3'
Protein context (NP_054733.2, residues 524-544): HINMDGTINV[Asp534Asn]DFKIIYIAPM

ClinVar aggregate classification (germline): Uncertain significance (1 of 4 stars; one submission).

Allele frequency attached by ClinVar (database versions not stated): gnomAD exomes below 0.00001; ExAC 0.00001; gnomAD 0.00001.
gnomAD v4.1: 8 of 1,614,014 alleles (0.0005%); highest among the groups gnomAD compares: Non-Finnish European, 0.00068%; no homozygotes.

Submission:

Labcorp Genetics (formerly Invitae), Labcorp
Classification: Uncertain significance. Last evaluated: 2024-07-01. Review status: criteria provided, single submitter. Criteria: Invitae Variant Classification Sherloc (09022015). Collection method: clinical testing. Allele origin: germline.
Comment: This sequence change replaces aspartic acid, which is acidic and polar, with asparagine, which is neutral and polar, at codon 534 of the SNRNP200 protein (p.Asp534Asn). This variant is present in population databases (rs763354385, gnomAD 0.0009%). This variant has not been reported in the literature in individuals affected with SNRNP200-related conditions. ClinVar contains an entry for this variant (Variation ID: 1971952). Advanced modeling of protein sequence and biophysical properties (such as structural, functional, and spatial information, amino acid conservation, physicochemical variation, residue mobility, and thermodynamic stability) performed at Invitae indicates that this missense variant is not expected to disrupt SNRNP200 protein function with a negative predictive value of 80%. In summary, the available evidence is currently insufficient to determine the role of this variant in disease. Therefore, it has been classified as a Variant of Uncertain Significance.